The following is an entry in ClinVar:

ClinVar aggregate classification (germline): Uncertain significance. Review status: criteria provided, multiple submitters, no conflicts (2 of 4 stars). 2 submissions from 2 submitters: Uncertain significance (2). Last evaluated 2023-09-18.

Allele frequency attached by ClinVar (database versions not stated): TOPMed below 0.00001; gnomAD 0.00001; gnomAD exomes 0.00001.
gnomAD v4.1: 9 of 1,613,964 alleles (0.00056%); highest among the groups gnomAD compares: East Asian, 0.0022%; no homozygotes.

Submissions (2):

Blueprint Genetics
Classification: Uncertain significance. Last evaluated: 2023-09-18. Review status: criteria provided, single submitter. Criteria: ACMG Guidelines, 2015. Collection method: clinical testing. Allele origin: germline.

Labcorp Genetics (formerly Invitae), Labcorp
Classification: Uncertain significance. Last evaluated: 2020-12-26. Review status: criteria provided, single submitter. Criteria: Invitae Variant Classification Sherloc (09022015). Collection method: clinical testing. Allele origin: germline.
Comment: This variant has not been reported in the literature in individuals with AGBL5-related conditions. This variant is not present in population databases (ExAC no frequency). This sequence change replaces asparagine with lysine at codon 535 of the AGBL5 protein (p.Asn535Lys). The asparagine residue is highly conserved and there is a moderate physicochemical difference between asparagine and lysine. Algorithms developed to predict the effect of missense changes on protein structure and function (SIFT, PolyPhen-2, Align-GVGD) all suggest that this variant is likely to be tolerated, but these predictions have not been confirmed by published functional studies and their clinical significance is uncertain. In summary, the available evidence is currently insufficient to determine the role of this variant in disease. Therefore, it has been classified as a Variant of Uncertain Significance. Algorithms developed to predict the effect of sequence changes on RNA splicing suggest that this variant may create or strengthen a splice site, but this prediction has not been confirmed by published transcriptional studies.

NM_021831.6(AGBL5):c.1605T>G (p.Asn535Lys)

Gene: AGBL5 (AGBL carboxypeptidase 5; plus strand). Cytogenetic location: 2p23.3.
Variant type: single nucleotide variant.
Coding change: c.1605T>G on transcript NM_021831.6 (MANE Select); coding-DNA position 1605, T replaced by G.
Protein change: p.Asn535Lys; replaces asparagine 535 with lysine.
Molecular consequence: missense variant. On other transcripts: non-coding transcript variant (2).
Genome position (GRCh38, 1-based): chr2:27,057,372, T>G. VCF-style: chr2-27057372-T-G. GRCh37 (hg19) VCF-style: chr2-27280240-T-G.
Other names: c.1605T>G, p.Asn535Lys (NM_001035507.3); short protein forms N535K.
Identifiers: ClinVar variation 1467396 (VCV001467396.7), dbSNP rs1290226349, ClinGen allele CA346183948.